The following is an entry in ClinVar:

NM_001829.4(CLCN3):c.540A>T (p.Thr180=)

Gene: CLCN3 (Cl-/H+ antiporter 3; plus strand). Cytogenetic location: 4q33.
Variant type: single nucleotide variant.
Coding change: c.540A>T on transcript NM_001829.4 (MANE Select); coding-DNA position 540, A replaced by T.
Protein change: p.Thr180=; no amino-acid change (threonine 180 retained).
Molecular consequence: synonymous variant.
Genome position (GRCh38, 1-based): chr4:169,689,164, A>T. VCF-style: chr4-169689164-A-T. GRCh37 (hg19) VCF-style: chr4-170610315-A-T.
Other names: c.540A>T, p.Thr180= (NM_001243372.2, NM_173872.4); c.459A>T, p.Thr153= (NM_001243374.2).
Identifiers: ClinVar variation 2655184 (VCV002655184.24), dbSNP rs1306865198, ClinGen allele CA442297815.

ClinVar aggregate classification (germline): Likely benign (1 of 4 stars; one submission).

gnomAD v4.1: 1 of 1,614,060 alleles (0.000062%); highest among the groups gnomAD compares: Non-Finnish European, 0.000085%; no homozygotes.

Submission:

CeGaT Center for Human Genetics Tuebingen
Classification: Likely benign. Last evaluated: 2023-02-01. Review status: criteria provided, single submitter. Criteria: CeGaT Center For Human Genetics Tuebingen Variant Classification Criteria Version 2. Collection method: clinical testing. Allele origin: germline. Affected: yes. Observed: 1 variant allele.
Comment: CLCN3: PM2:Supporting, BP4, BP7